The following is an entry in ClinVar:

NM_024408.4(NOTCH2):c.2527G>A (p.Glu843Lys)

Gene: NOTCH2 (notch receptor 2; minus strand). Cytogenetic location: 1p12.
Variant type: single nucleotide variant.
Coding change: c.2527G>A on transcript NM_024408.4 (MANE Select); coding-DNA position 2527, G replaced by A.
Protein change: p.Glu843Lys; replaces glutamic acid 843 with lysine.
Molecular consequence: missense variant.
Genome position (GRCh38, 1-based): chr1:119,949,079, C>T on the plus strand (G>A on the coding strand, the complement: NOTCH2 is on the minus strand). VCF-style: chr1-119949079-C-T. GRCh37 (hg19) VCF-style: chr1-120491702-C-T.
Other names: c.2527G>A, p.Glu843Lys (NM_001200001.2); short protein forms E843K.
Identifiers: ClinVar variation 2726538 (VCV002726538.3), dbSNP rs1553197405, ClinGen allele CA341859424.

ClinVar aggregate classification (germline): Uncertain significance (1 of 4 stars; one submission).

Conditions:
Hajdu-Cheney syndrome (HJCYS). Also called: SERPENTINE FIBULA-POLYCYSTIC KIDNEY SYNDROME; Acroosteolysis dominant type; ACROOSTEOLYSIS WITH OSTEOPOROSIS AND CHANGES IN SKULL AND MANDIBLE. Identifiers: Orphanet 955, MedGen C0917715, MONDO:0007057, OMIM 102500.

Submission:

Labcorp Genetics (formerly Invitae), Labcorp
Classification: Uncertain significance for Hajdu-Cheney syndrome. Last evaluated: 2023-10-03. Review status: criteria provided, single submitter. Criteria: Invitae Variant Classification Sherloc (09022015). Collection method: clinical testing. Allele origin: germline.
Comment: This sequence change replaces glutamic acid, which is acidic and polar, with lysine, which is basic and polar, at codon 843 of the NOTCH2 protein (p.Glu843Lys). This variant is present in population databases (no rsID available, gnomAD 0.01%). This variant has not been reported in the literature in individuals affected with NOTCH2-related conditions. Advanced modeling of protein sequence and biophysical properties (such as structural, functional, and spatial information, amino acid conservation, physicochemical variation, residue mobility, and thermodynamic stability) performed at Invitae indicates that this missense variant is not expected to disrupt NOTCH2 protein function. In summary, the available evidence is currently insufficient to determine the role of this variant in disease. Therefore, it has been classified as a Variant of Uncertain Significance.